The following is an entry in ClinVar:

NM_001080414.4(CCDC88C):c.2640G>A (p.Arg880=)

Gene: CCDC88C (coiled-coil and HOOK domain protein 88C; minus strand). Cytogenetic location: 14q32.11.
Variant type: single nucleotide variant.
Coding change: c.2640G>A on transcript NM_001080414.4 (MANE Select); coding-DNA position 2640, G replaced by A.
Protein change: p.Arg880=; no amino-acid change (arginine 880 retained).
Molecular consequence: synonymous variant.
Genome position (GRCh38, 1-based): chr14:91,313,176, C>T on the plus strand (G>A on the coding strand, the complement: CCDC88C is on the minus strand). VCF-style: chr14-91313176-C-T. GRCh37 (hg19) VCF-style: chr14-91779520-C-T.
Other names: p.Arg880=.
Identifiers: ClinVar variation 773853 (VCV000773853.10), dbSNP rs117305675, ClinGen allele CA7309597.

ClinVar aggregate classification (germline): Benign. Review status: criteria provided, multiple submitters, no conflicts (2 of 4 stars). 2 submissions from 2 submitters: Benign (2). Last evaluated 2026-02-04.

Allele frequency attached by ClinVar (database versions not stated): ESP Exome Variant Server 0.00008; gnomAD 0.00103 and 0.00157; gnomAD exomes 0.00110 and 0.00361; TOPMed 0.00184; ExAC 0.00335; 1000 Genomes Project 30x 0.00843; 1000 Genomes Project 0.00859.
gnomAD v4.1: 1,891 of 1,612,554 alleles (0.12%); highest among the groups gnomAD compares: East Asian, 3.2%; 37 homozygotes.

Submissions (2):

Labcorp Genetics (formerly Invitae), Labcorp
Classification: Benign. Last evaluated: 2026-02-04. Review status: criteria provided, single submitter. Criteria: Invitae Variant Classification Sherloc (09022015). Collection method: clinical testing. Allele origin: germline.

Mayo Clinic Laboratories, Mayo Clinic
Classification: Benign. Last evaluated: 2025-08-04. Review status: criteria provided, single submitter. Criteria: ACMG Guidelines, 2015. Collection method: clinical testing. Allele origin: germline. Observed: 1 variant allele.
Comment: BA1